The following is an entry in ClinVar:

NM_001031710.3(KLHL7):c.*1123A>C

Gene: KLHL7 (kelch like family member 7; plus strand). Cytogenetic location: 7p15.3.
Variant type: single nucleotide variant.
Coding change: c.*1123A>C on transcript NM_001031710.3 (MANE Select); 1123 bases downstream of the stop codon, A replaced by C.
Molecular consequence: 3 prime UTR variant. On other transcripts: non-coding transcript variant (1).
Genome position (GRCh38, 1-based): chr7:23,175,421, A>C. VCF-style: chr7-23175421-A-C. GRCh37 (hg19) VCF-style: chr7-23215040-A-C.
Other names: c.*1123A>C (NM_018846.5).
Identifiers: ClinVar variation 359818 (VCV000359818.5), dbSNP rs752275483, ClinGen allele CA4186737.

ClinVar aggregate classification (germline): Likely benign (1 of 4 stars; one submission).

Conditions:
Retinitis pigmentosa (RP). Identifiers: Orphanet 791, MedGen C0035334, MeSH D012174, MONDO:0019200, OMIM 268000. Inheritance: Autosomal dominant, autosomal recessive and X linked inheritance.

Allele frequency attached by ClinVar (database versions not stated): TOPMed 0.00025; gnomAD 0.00028 and 0.00029; gnomAD exomes 0.00035 and 0.00060; ExAC 0.00114.
gnomAD v4.1: 142 of 433,398 alleles (0.033%); highest among the groups gnomAD compares: Non-Finnish European, 0.013%; no homozygotes.

Submission:

Illumina Laboratory Services, Illumina
Classification: Likely benign for Retinitis pigmentosa. Last evaluated: 2018-01-13. Review status: criteria provided, single submitter. Criteria: ICSL Variant Classification Criteria 13 December 2019. Collection method: clinical testing. Allele origin: germline.
Comment: This variant was observed in the ICSL laboratory as part of a predisposition screen in an ostensibly healthy population. It had not been previously curated by ICSL or reported in the Human Gene Mutation Database (HGMD: prior to June 1st, 2018), and was therefore a candidate for classification through an automated scoring system. Utilizing variant allele frequency, disease prevalence and penetrance estimates, and inheritance mode, an automated score was calculated to assess if this variant is too frequent to cause the disease. Based on the score and internal cut-off values, a variant classified as likely benign is not then subjected to further curation. The score for this variant resulted in a classification of likely benign for this disease.